The following is an entry in ClinVar:

ClinVar aggregate classification (germline): Uncertain significance (1 of 4 stars; one submission).

Conditions:
Hereditary cancer-predisposing syndrome. Also called: Tumor predisposition; Neoplastic Syndromes, Hereditary; Hereditary Cancer Syndrome; Hereditary neoplastic syndrome. Identifiers: Orphanet 140162, MedGen C0027672, MeSH D009386, MONDO:0015356.

Submission:

Ambry Genetics
Classification: Uncertain significance for Hereditary cancer-predisposing syndrome. Last evaluated: 2020-01-29. Review status: criteria provided, single submitter. Criteria: Ambry Variant Classification Scheme 2023. Collection method: clinical testing. Allele origin: germline.
Comment: The p.S1025I variant (also known as c.3074G>T), located in coding exon 21 of the TSC1 gene, results from a G to T substitution at nucleotide position 3074. The serine at codon 1025 is replaced by isoleucine, an amino acid with dissimilar properties. This amino acid position is not well conserved in available vertebrate species. In addition, this alteration is predicted to be tolerated by in silico analysis. Since supporting evidence is limited at this time, the clinical significance of this alteration remains unclear.

NM_000368.5(TSC1):c.3074G>T (p.Ser1025Ile)

Gene: TSC1 (TSC complex subunit 1; minus strand). Cytogenetic location: 9q34.13.
Variant type: single nucleotide variant.
Coding change: c.3074G>T on transcript NM_000368.5 (MANE Select); coding-DNA position 3074, G replaced by T.
Protein change: p.Ser1025Ile; replaces serine 1025 with isoleucine.
Molecular consequence: missense variant.
Genome position (GRCh38, 1-based): chr9:132,896,656, C>A on the plus strand (G>T on the coding strand, the complement: TSC1 is on the minus strand). VCF-style: chr9-132896656-C-A. GRCh37 (hg19) VCF-style: chr9-135772043-C-A.
Other names: c.3071G>T, p.Ser1024Ile (NM_001162426.2, NM_001406597.1, NM_001406598.1 and 2 more transcripts); c.2921G>T, p.Ser974Ile (NM_001162427.2, NM_001406610.1); c.2711G>T, p.Ser904Ile (NM_001362177.2, NM_001406614.1, NM_001406615.1 and 4 more transcripts); c.3074G>T, p.Ser1025Ile (NM_001406592.1, NM_001406593.1, NM_001406594.1 and 2 more transcripts); c.3059G>T, p.Ser1020Ile (NM_001406601.1, NM_001406602.1); c.3056G>T, p.Ser1019Ile (NM_001406603.1, NM_001406604.1); c.3032G>T, p.Ser1011Ile (NM_001406605.1, NM_001406606.1, NM_001406607.1); c.3029G>T, p.Ser1010Ile (NM_001406608.1, NM_001406609.1); and 8 more; short protein forms S1011I, S674I, S708I, S903I, S1019I, S1025I, S904I, S889I.
Identifiers: ClinVar variation 1727292 (VCV001727292.2), dbSNP rs1845081620, ClinGen allele CA375367576.
Genomic context (GRCh38, chr9:132,896,656, plus strand): 5'-AGCTCGCTGCTGCTGCTGCTGCTGCCTCCACCACCTCTGCTTCCACTACTGCCCCGGGCG[C>A]TGCTGGGCCTGGGGGTCTTGGTCTCACCGTTGTGGCCAGATGCCTCTTCATTGTGCCCTA-3'
Protein context (NP_000359.1, residues 1015-1035): NGETKTPRPS[Ser1025Ile]ARGSSGSRGG